The following is an entry in ClinVar:

ClinVar aggregate classification (germline): Benign/Likely benign. Review status: criteria provided, multiple submitters, no conflicts (2 of 4 stars). 4 submissions from 4 submitters: Benign (2); Likely benign (2). Last evaluated 2025-09-08.

Conditions:
Koolen-de Vries syndrome (KDVS). Identifiers: Orphanet 96169, MedGen C1864871, MONDO:0012496, OMIM 610443.

Allele frequency attached by ClinVar (database versions not stated): gnomAD 0.00003 and 0.00004; TOPMed 0.00004; gnomAD exomes 0.00005; ExAC 0.00008; ESP Exome Variant Server 0.00015.
gnomAD v4.1: 81 of 1,605,600 alleles (0.005%); highest among the groups gnomAD compares: Middle Eastern, 0.017%; no homozygotes.

Submissions (4):

Labcorp Genetics (formerly Invitae), Labcorp
Classification: Benign for Koolen-de Vries syndrome. Last evaluated: 2025-09-08. Review status: criteria provided, single submitter. Criteria: Invitae Variant Classification Sherloc (09022015). Collection method: clinical testing. Allele origin: germline.

Mayo Clinic Laboratories, Mayo Clinic
Classification: Benign. Last evaluated: 2022-10-12. Review status: criteria provided, single submitter. Criteria: ACMG Guidelines, 2015. Collection method: clinical testing. Allele origin: germline. Observed: 2 variant alleles.
Comment: BS1, BS2

Fulgent Genetics
Classification: Likely benign for Koolen-de Vries syndrome. Last evaluated: 2022-03-08. Review status: criteria provided, single submitter. Criteria: ACMG Guidelines, 2015. Collection method: clinical testing. Allele origin: unknown.

GeneDx
Classification: Likely benign. Last evaluated: 2015-04-03. Review status: criteria provided, single submitter. Criteria: GeneDx Variant Classification (06012015). Collection method: clinical testing. Allele origin: germline. Affected: yes.
Comment: This variant is considered likely benign or benign based on one or more of the following criteria: it is a conservative change, it occurs at a poorly conserved position in the protein, it is predicted to be benign by multiple in silico algorithms, and/or has population frequency not consistent with disease.

Literature cited by the submitters: PubMed 31267707 (cited by Mayo Clinic Laboratories, Mayo Clinic); PubMed 33004838 (cited by Mayo Clinic Laboratories, Mayo Clinic).

NM_015443.4(KANSL1):c.1855C>T (p.Arg619Trp)

Gene: KANSL1 (KAT8 regulatory NSL complex subunit 1). Cytogenetic location: 17q21.31.
Variant type: single nucleotide variant.
Coding change: c.1855C>T on transcript NM_015443.4 (MANE Select); coding-DNA position 1855, C replaced by T.
Protein change: p.Arg619Trp; replaces arginine 619 with tryptophan.
Molecular consequence: missense variant.
Genome position (GRCh38, 1-based): chr17:46,050,698, G>A on the plus strand (C>T on the coding strand, the complement: KANSL1 is on the minus strand). VCF-style: chr17-46050698-G-A. GRCh37 (hg19) VCF-style: chr17-44128064-G-A.
Other names: p.Arg619Trp; c.1855C>T, p.Arg619Trp (NM_001193465.2, NM_001193466.2, NM_001379198.1); short protein forms R619W.
Identifiers: ClinVar variation 379459 (VCV000379459.10), dbSNP rs141298741, ClinGen allele CA8618697.